The following is an entry in ClinVar:

NM_000245.4(MET):c.2746T>C (p.Ser916Pro)

Gene: MET (MET proto-oncogene, receptor tyrosine kinase; plus strand). Cytogenetic location: 7q31.2.
Variant type: single nucleotide variant.
Coding change: c.2746T>C on transcript NM_000245.4 (MANE Select); coding-DNA position 2746, T replaced by C.
Protein change: p.Ser916Pro; replaces serine 916 with proline.
Molecular consequence: missense variant.
Genome position (GRCh38, 1-based): chr7:116,771,513, T>C. VCF-style: chr7-116771513-T-C. GRCh37 (hg19) VCF-style: chr7-116411567-T-C.
Other names: c.2800T>C, p.Ser934Pro (NM_001127500.3); c.1456T>C, p.Ser486Pro (NM_001324402.2); short protein forms S486P, S916P, S934P.
Identifiers: ClinVar variation 4859975 (VCV004859975.1).
Genomic context (GRCh38, chr7:116,771,513, plus strand): 5'-TCTATCATGGCTAAATGCTGACTTTTCTTTATTTGTCATTTTTAGTGGAAGCAAGCAATT[T>C]CTTCAACCGTCCTTGGAAAAGTAATAGTTCAACCAGATCAGAATTTCACAGGATTGATTG-3'
Protein context (NP_000236.2, residues 906-926): ELNIEWKQAI[Ser916Pro]STVLGKVIVQ

ClinVar aggregate classification (germline): Uncertain significance (1 of 4 stars; one submission).

Conditions:
Hereditary cancer-predisposing syndrome. Also called: Neoplastic Syndromes, Hereditary; Tumor predisposition; Hereditary Cancer Syndrome; Hereditary neoplastic syndrome. Identifiers: Orphanet 140162, MedGen C0027672, MeSH D009386, MONDO:0015356.

Submission:

Ambry Genetics
Classification: Uncertain significance for Hereditary cancer-predisposing syndrome. Last evaluated: 2026-04-26. Review status: criteria provided, single submitter. Criteria: Ambry Variant Classification Scheme 2023. Collection method: clinical testing. Allele origin: germline.
Comment: The p.S934P variant (also known as c.2800T>C), located in coding exon 12 of the MET gene, results from a T to C substitution at nucleotide position 2800. The serine at codon 934 is replaced by proline, an amino acid with similar properties. This amino acid position is conserved. In addition, this alteration is predicted to be tolerated by in silico analysis. Based on the available evidence, the clinical significance of this variant remains unclear.